The following is an entry in ClinVar:

NM_004995.4(MMP14):c.76G>A (p.Gly26Ser)

Gene: MMP14 (matrix metallopeptidase 14; plus strand). Cytogenetic location: 14q11.2.
Variant type: single nucleotide variant.
Coding change: c.76G>A on transcript NM_004995.4 (MANE Select); coding-DNA position 76, G replaced by A.
Protein change: p.Gly26Ser; replaces glycine 26 with serine.
Molecular consequence: missense variant.
Genome position (GRCh38, 1-based): chr14:22,836,893, G>A. VCF-style: chr14-22836893-G-A. GRCh37 (hg19) VCF-style: chr14-23306102-G-A.
Other names: short protein forms G26S.
Identifiers: ClinVar variation 1928631 (VCV001928631.5), dbSNP rs2039736075, ClinGen allele CA388927857.

ClinVar aggregate classification (germline): Uncertain significance (1 of 4 stars; one submission).

Allele frequency attached by ClinVar (database versions not stated): gnomAD exomes below 0.00001.
gnomAD v4.1: 1 of 1,613,636 alleles (0.000062%); highest among the groups gnomAD compares: East Asian, 0.0022%; no homozygotes.

Submission:

Labcorp Genetics (formerly Invitae), Labcorp
Classification: Uncertain significance. Last evaluated: 2022-03-26. Review status: criteria provided, single submitter. Criteria: Invitae Variant Classification Sherloc (09022015). Collection method: clinical testing. Allele origin: germline.
Comment: This variant is not present in population databases (gnomAD no frequency). This sequence change replaces glycine, which is neutral and non-polar, with serine, which is neutral and polar, at codon 26 of the MMP14 protein (p.Gly26Ser). In summary, the available evidence is currently insufficient to determine the role of this variant in disease. Therefore, it has been classified as a Variant of Uncertain Significance. Algorithms developed to predict the effect of missense changes on protein structure and function output the following: SIFT: "Tolerated"; PolyPhen-2: "Not Available"; Align-GVGD: "Class C0". The serine amino acid residue is found in multiple mammalian species, which suggests that this missense change does not adversely affect protein function. This variant has not been reported in the literature in individuals affected with MMP14-related conditions.